The following is an entry in ClinVar:

ClinVar aggregate classification (germline): Uncertain significance (1 of 4 stars; one submission).

Submission:

Labcorp Genetics (formerly Invitae), Labcorp
Classification: Uncertain significance. Last evaluated: 2024-03-26. Review status: criteria provided, single submitter. Criteria: Invitae Variant Classification Sherloc (09022015). Collection method: clinical testing. Allele origin: germline.
Comment: This sequence change replaces valine, which is neutral and non-polar, with leucine, which is neutral and non-polar, at codon 244 of the CACNA1D protein (p.Val244Leu). This variant is not present in population databases (gnomAD no frequency). This variant has not been reported in the literature in individuals affected with CACNA1D-related conditions. Advanced modeling of protein sequence and biophysical properties (such as structural, functional, and spatial information, amino acid conservation, physicochemical variation, residue mobility, and thermodynamic stability) performed at Invitae indicates that this missense variant is expected to disrupt CACNA1D protein function with a positive predictive value of 80%. In summary, the available evidence is currently insufficient to determine the role of this variant in disease. Therefore, it has been classified as a Variant of Uncertain Significance.

NM_001128840.3(CACNA1D):c.730G>T (p.Val244Leu)

Gene: CACNA1D (calcium voltage-gated channel subunit alpha1 D; plus strand). Cytogenetic location: 3p21.1.
Variant type: single nucleotide variant.
Coding change: c.730G>T on transcript NM_001128840.3 (MANE Select); coding-DNA position 730, G replaced by T.
Protein change: p.Val244Leu; replaces valine 244 with leucine.
Molecular consequence: missense variant.
Genome position (GRCh38, 1-based): chr3:53,660,239, G>T. VCF-style: chr3-53660239-G-T. GRCh37 (hg19) VCF-style: chr3-53694266-G-T.
Other names: c.730G>T, p.Val244Leu (NM_000720.4, NM_001128839.3); short protein forms V244L.
Identifiers: ClinVar variation 3647651 (VCV003647651.2).
Genomic context (GRCh38, chr3:53,660,239, plus strand): 5'-GGGAACCACTCAAGCGGCAAATCTGGAGGCTTTGATGTCAAAGCCCTCCGTGCCTTTCGA[G>T]TGTTGCGACCACTTCGACTAGTGTCAGGAGTGCCCAGTAAGCACTTATTGTTTCCTAGAG-3'
Protein context (NP_001122312.1, residues 234-254): FDVKALRAFR[Val244Leu]LRPLRLVSGV